The following is an entry in ClinVar:

NM_000198.4(HSD3B2):c.462C>A (p.Tyr154Ter)

Gene: HSD3B2 (hydroxy-delta-5-steroid dehydrogenase, 3 beta- and steroid delta-isomerase 2; plus strand). Cytogenetic location: 1p12.
Variant type: single nucleotide variant.
Coding change: c.462C>A on transcript NM_000198.4 (MANE Select); coding-DNA position 462, C replaced by A.
Protein change: p.Tyr154Ter; replaces tyrosine 154 with a stop codon.
Molecular consequence: nonsense.
Genome position (GRCh38, 1-based): chr1:119,421,963, C>A. VCF-style: chr1-119421963-C-A. GRCh37 (hg19) VCF-style: chr1-119964586-C-A.
Other names: c.462C>A, p.Tyr154Ter (NM_001166120.2); short protein forms Y154*.
Identifiers: ClinVar variation 848651 (VCV000848651.9), dbSNP rs1651890566, ClinGen allele CA341396617.

ClinVar aggregate classification (germline): Pathogenic (1 of 4 stars; one submission).

Submission:

Labcorp Genetics (formerly Invitae), Labcorp
Classification: Pathogenic. Last evaluated: 2022-02-10. Review status: criteria provided, single submitter. Criteria: Invitae Variant Classification Sherloc (09022015). Collection method: clinical testing. Allele origin: germline.
Comment: This variant is not present in population databases (gnomAD no frequency). This sequence change creates a premature translational stop signal (p.Tyr154*) in the HSD3B2 gene. While this is not anticipated to result in nonsense mediated decay, it is expected to disrupt the last 219 amino acid(s) of the HSD3B2 protein. This variant has not been reported in the literature in individuals affected with HSD3B2-related conditions. ClinVar contains an entry for this variant (Variation ID: 848651). This variant disrupts a region of the HSD3B2 protein in which other variant(s) (p.Trp345*) have been determined to be pathogenic (PMID: 18252794; Invitae). This suggests that this is a clinically significant region of the protein, and that variants that disrupt it are likely to be disease-causing. For these reasons, this variant has been classified as Pathogenic.

Literature cited by the submitters: PubMed 18252794.